The following is an entry in ClinVar:

ClinVar aggregate classification (germline): Uncertain significance. Review status: criteria provided, multiple submitters, no conflicts (2 of 4 stars). 2 submissions from 2 submitters: Uncertain significance (2). Last evaluated 2026-06-12.

Conditions:
UNC13A-related Neurodevelopmental and Movement disorder.

Allele frequency attached by ClinVar (database versions not stated): gnomAD exomes below 0.00001; ExAC 0.00001.
gnomAD v4.1: 2 of 1,613,928 alleles (0.00012%); highest among the groups gnomAD compares: South Asian, 0.0011%; no homozygotes.

Submissions (2):

Women's Health and Genetics/Laboratory Corporation of America, LabCorp
Classification: Uncertain significance. Last evaluated: 2026-06-12. Review status: criteria provided, single submitter. Criteria: LabCorp Variant Classification Summary - May 2015. Collection method: clinical testing. Allele origin: germline.
Comment: Variant summary: UNC13A c.3497G>C (p.Gly1166Ala) results in a non-conservative amino acid change in the encoded protein sequence. Algorithms developed to predict the effect of missense changes on protein structure and function all suggest that this variant is likely to be disruptive. The variant allele was found at a frequency of 4e-06 in 249242 control chromosomes. The available data on variant occurrences in the general population are insufficient to allow any conclusion about variant significance. To our knowledge, no occurrence of c.3497G>C in individuals affected with UNC13A-related conditions and no experimental evidence demonstrating its impact on protein function have been reported. ClinVar contains an entry for this variant (Variation ID: 977360). Based on the evidence outlined above, the variant was classified as uncertain significance.

New York Genome Center
Classification: Uncertain significance for UNC13A-related Neurodevelopmental and Movement disorder. Last evaluated: 2020-02-25. Review status: criteria provided, single submitter. Criteria: NYGC Assertion Criteria 2020. Collection method: clinical testing. Allele origin: inherited. Observed: 1 heterozygote. Study: CSER-NYCKidSeq.

NM_001080421.3(UNC13A):c.3497G>C (p.Gly1166Ala)

Gene: UNC13A (unc-13 homolog A; minus strand). Cytogenetic location: 19p13.11.
Variant type: single nucleotide variant.
Coding change: c.3497G>C on transcript NM_001080421.3 (MANE Select); coding-DNA position 3497, G replaced by C.
Protein change: p.Gly1166Ala; replaces glycine 1166 with alanine.
Molecular consequence: missense variant.
Genome position (GRCh38, 1-based): chr19:17,630,682, C>G on the plus strand (G>C on the coding strand, the complement: UNC13A is on the minus strand). VCF-style: chr19-17630682-C-G. GRCh37 (hg19) VCF-style: chr19-17741491-C-G.
Other names: c.3491G>C, p.Gly1164Ala (NM_001387021.1, NM_001387022.1, NM_001387023.1); short protein forms G1166A, G1164A.
Identifiers: ClinVar variation 977360 (VCV000977360.4), dbSNP rs758916422, ClinGen allele CA9297975.